The following is an entry in ClinVar:

NM_000159.4(GCDH):c.101G>A (p.Gly34Glu)

Genes: GCDH (glutaryl-CoA dehydrogenase; plus strand), LOC117125594 (CRISPRi-FlowFISH-validated KLF1 regulatory element; plus strand). Cytogenetic location: 19p13.13.
Variant type: single nucleotide variant.
Coding change: c.101G>A on transcript NM_000159.4 (MANE Select); coding-DNA position 101, G replaced by A.
Protein change: p.Gly34Glu; replaces glycine 34 with glutamic acid.
Molecular consequence: missense variant. On other transcripts: non-coding transcript variant (2).
Genome position (GRCh38, 1-based): chr19:12,891,496, G>A. VCF-style: chr19-12891496-G-A. GRCh37 (hg19) VCF-style: chr19-13002310-G-A.
Other names: c.101G>A, p.Gly34Glu (NM_013976.5); short protein forms G34E.
Identifiers: ClinVar variation 4620672 (VCV004620672.1).

ClinVar aggregate classification (germline): Uncertain significance (1 of 4 stars; one submission).

Conditions:
Inborn genetic diseases. Identifiers: MedGen C0950123, MeSH D030342.

gnomAD v4.1: 2 of 1,614,220 alleles (0.00012%); highest among the groups gnomAD compares: Admixed American, 0.0033%; no homozygotes.

Submission:

Ambry Genetics
Classification: Uncertain significance for Inborn genetic diseases. Last evaluated: 2025-10-14. Review status: criteria provided, single submitter. Criteria: Ambry Variant Classification Scheme 2023. Collection method: clinical testing. Allele origin: germline.
Comment: The p.G34E variant (also known as c.101G>A), located in coding exon 2 of the GCDH gene, results from a G to A substitution at nucleotide position 101. The glycine at codon 34 is replaced by glutamic acid, an amino acid with similar properties. This amino acid position is conserved. In addition, this alteration is predicted to be tolerated by in silico analysis. Based on the available evidence, the clinical significance of this variant remains unclear.